The following is an entry in ClinVar:

NM_000102.4(CYP17A1):c.62G>A (p.Arg21Lys)

Gene: CYP17A1 (cytochrome P450 family 17 subfamily A member 1; minus strand). Cytogenetic location: 10q24.32.
Variant type: single nucleotide variant.
Coding change: c.62G>A on transcript NM_000102.4 (MANE Select); coding-DNA position 62, G replaced by A.
Protein change: p.Arg21Lys; replaces arginine 21 with lysine.
Molecular consequence: missense variant.
Genome position (GRCh38, 1-based): chr10:102,837,300, C>T on the plus strand (G>A on the coding strand, the complement: CYP17A1 is on the minus strand). VCF-style: chr10-102837300-C-T. GRCh37 (hg19) VCF-style: chr10-104597057-C-T.
Other names: short protein forms R21K.
Identifiers: ClinVar variation 298626 (VCV000298626.21), dbSNP rs61754263, ClinGen allele CA5669659.

ClinVar aggregate classification (germline): Conflicting classifications of pathogenicity. Review status: criteria provided, conflicting classifications (1 of 4 stars). 5 submissions from 5 submitters: Uncertain significance (2); Likely benign (1). 2 of the submissions do not count toward it. Last evaluated 2026-01-28.

Conditions:
CYP17A1-related disorder. Also called: CYP17A1-related condition.
Deficiency of steroid 17-alpha-monooxygenase. Also called: ADRENAL HYPERPLASIA V; 17-ALPHA-HYDROXYLASE DEFICIENCY; Congenital adrenal hyperplasia due to 17-alpha-hydroxylase deficiency; Congenital adrenal hyperplasia type 5; 17-alpha-hydroxylase/17,20-lyase deficiency. Identifiers: Orphanet 90793, MedGen C0268285, MONDO:0008730, OMIM 202110.

Allele frequency attached by ClinVar (database versions not stated): 1000 Genomes Project 0.00060; 1000 Genomes Project 30x 0.00062; ESP Exome Variant Server 0.00069; gnomAD exomes 0.00079; TOPMed 0.00088; ExAC 0.00090; gnomAD 0.00114 and 0.00116.
gnomAD v4.1: 1,967 of 1,610,768 alleles (0.12%); highest among the groups gnomAD compares: Non-Finnish European, 0.15%; 1 homozygote.

Submissions (5):

Labcorp Genetics (formerly Invitae), Labcorp
Classification: Likely benign. Last evaluated: 2026-01-28. Review status: criteria provided, single submitter. Criteria: Invitae Variant Classification Sherloc (09022015). Collection method: clinical testing. Allele origin: germline.

GeneDx
Classification: Uncertain significance. Last evaluated: 2024-03-01. Review status: criteria provided, single submitter. Criteria: GeneDx Variant Classification Process June 2021. Collection method: clinical testing. Allele origin: germline. Affected: yes.
Comment: In silico analysis supports that this missense variant does not alter protein structure/function; This variant is associated with the following publications: (PMID: 20981092, 34426522, Rokhaya _ 2020_article, 19636199)

Department of Pathology and Laboratory Medicine, Sinai Health System
Classification: Uncertain significance for congenital adrenal hyperplasia due to 17-alpha-hydroxylase deficiency. Last evaluated: 2022-02-04. Review status: criteria provided, single submitter. Criteria: ACMG Guidelines, 2015. Collection method: research. Allele origin: germline.

PreventionGenetics, part of Exact Sciences
Classification: Uncertain significance for CYP17A1-related condition. Last evaluated: 2024-07-12. Review status: no assertion criteria provided. Collection method: clinical testing. Allele origin: germline. Not counted in ClinVar's aggregate classification.
Comment: The CYP17A1 c.62G>A variant is predicted to result in the amino acid substitution p.Arg21Lys. This variant has been reported in the homozygous state in an individual with congenital adrenal hyperplasia (CAH) due to 17-alpha-hydroxylase/17,20-lyase deficiency (Nuzzo et al. 2009. PubMed ID: 19636199). This variant is reported in 0.15% of alleles in individuals of European (Non-Finnish) descent in gnomAD. The p.Arg21 residue is weakly conserved and at this position is a lysine (Lys) in many species including rat, mouse and dog. Although we suspect that this variant may be benign, at this time, the clinical significance of this variant is uncertain due to the absence of conclusive functional and genetic evidence.

Natera, Inc.
Classification: Uncertain significance for Deficiency of steroid 17-alpha-monooxygenase. Last evaluated: 2020-09-16. Review status: no assertion criteria provided. Collection method: clinical testing. Allele origin: germline. Not counted in ClinVar's aggregate classification.